The following is an entry in ClinVar:

NM_001267550.2(TTN):c.67462G>A (p.Val22488Ile)

Genes: TTN (titin; minus strand), TTN-AS1 (TTN antisense RNA 1; plus strand), LOC126806423 (CDK7 strongly-dependent group 2 enhancer GRCh37_chr2:179443309-179444508; plus strand). Cytogenetic location: 2q31.2.
Variant type: single nucleotide variant.
Coding change: c.67462G>A on transcript NM_001267550.2 (MANE Select); coding-DNA position 67462, G replaced by A.
Protein change: p.Val22488Ile; replaces valine 22488 with isoleucine.
Molecular consequence: missense variant.
Genome position (GRCh38, 1-based): chr2:178,579,735, C>T on the plus strand (G>A on the coding strand, the complement: TTN is on the minus strand). VCF-style: chr2-178579735-C-T. GRCh37 (hg19) VCF-style: chr2-179444462-C-T.
Other names: c.62539G>A, p.Val20847Ile (NM_001256850.1); c.40267G>A, p.Val13423Ile (NM_003319.4); c.59758G>A, p.Val19920Ile (NM_133378.4); c.40642G>A, p.Val13548Ile (NM_133432.3); c.40843G>A, p.Val13615Ile (NM_133437.4); short protein forms V13423I, V22488I, V13548I, V19920I, V13615I, V20847I.
Identifiers: ClinVar variation 518646 (VCV000518646.5), dbSNP rs1553622498, ClinGen allele CA349423707.

ClinVar aggregate classification (germline): Uncertain significance (1 of 4 stars; one submission).

Conditions:
Cardiovascular phenotype. Identifiers: MedGen CN230736.

Allele frequency attached by ClinVar (database versions not stated): gnomAD exomes below 0.00001.
gnomAD v4.1: 1 of 1,613,248 alleles (0.000062%); highest among the groups gnomAD compares: African/African-American, 0.0013%; no homozygotes.

Submission:

Ambry Genetics
Classification: Uncertain significance for Cardiovascular phenotype. Last evaluated: 2017-04-10. Review status: criteria provided, single submitter. Criteria: Ambry Variant Classification Scheme 2023. Collection method: clinical testing. Allele origin: germline.
Comment: The p.V13423I variant (also known as c.40267G>A), located in coding exon 146 of the TTN gene, results from a G to A substitution at nucleotide position 40267. The valine at codon 13423 is replaced by isoleucine, an amino acid with highly similar properties. This amino acid position is not well conserved in available vertebrate species. In addition, this alteration is predicted to be tolerated by in silico analysis. Since supporting evidence is limited at this time, the clinical significance of this alteration remains unclear.